The following is an entry in ClinVar:

ClinVar aggregate classification (germline): Uncertain significance. Review status: criteria provided, multiple submitters, no conflicts (2 of 4 stars). 2 submissions from 2 submitters: Uncertain significance (2). Last evaluated 2023-06-02.

Conditions:
Exostoses, multiple, type 2 (EXT2). Also called: Hereditary Multiple Osteochondromatosis, Type II; EXOSTOSES, MULTIPLE, TYPE II. Identifiers: Orphanet 321, MedGen C1851413, MONDO:0007586, OMIM 133701.

Allele frequency attached by ClinVar (database versions not stated): gnomAD exomes below 0.00001; TOPMed 0.00001.
gnomAD v4.1: 1 of 1,614,156 alleles (0.000062%); highest among the groups gnomAD compares: South Asian, 0.0011%; no homozygotes.

Submissions (2):

Baylor Genetics
Classification: Uncertain significance for Exostoses, multiple, type 2. Last evaluated: 2023-06-02. Review status: criteria provided, single submitter. Criteria: ACMG Guidelines, 2015. Collection method: clinical testing. Allele origin: unknown.

Labcorp Genetics (formerly Invitae), Labcorp
Classification: Uncertain significance for Exostoses, multiple, type 2. Last evaluated: 2021-04-08. Review status: criteria provided, single submitter. Criteria: Invitae Variant Classification Sherloc (09022015). Collection method: clinical testing. Allele origin: germline.
Comment: This sequence change replaces alanine with threonine at codon 13 of the EXT2 protein (p.Ala13Thr). The alanine residue is moderately conserved and there is a small physicochemical difference between alanine and threonine. This variant is not present in population databases (ExAC no frequency). In summary, the available evidence is currently insufficient to determine the role of this variant in disease. Therefore, it has been classified as a Variant of Uncertain Significance. Algorithms developed to predict the effect of missense changes on protein structure and function (SIFT, PolyPhen-2, Align-GVGD) all suggest that this variant is likely to be tolerated, but these predictions have not been confirmed by published functional studies and their clinical significance is uncertain. This variant has not been reported in the literature in individuals with EXT2-related conditions.

NM_207122.2(EXT2):c.37G>A (p.Ala13Thr)

Gene: EXT2 (exostosin glycosyltransferase 2; plus strand). Cytogenetic location: 11p11.2.
Variant type: single nucleotide variant.
Coding change: c.37G>A on transcript NM_207122.2 (MANE Select); coding-DNA position 37, G replaced by A.
Protein change: p.Ala13Thr; replaces alanine 13 with threonine.
Molecular consequence: missense variant.
Genome position (GRCh38, 1-based): chr11:44,107,749, G>A. VCF-style: chr11-44107749-G-A. GRCh37 (hg19) VCF-style: chr11-44129299-G-A.
Other names: c.136G>A, p.Ala46Thr (NM_000401.3); c.37G>A, p.Ala13Thr (NM_001178083.3); short protein forms A13T, A46T.
Identifiers: ClinVar variation 1062097 (VCV001062097.10), dbSNP rs1389288265, ClinGen allele CA380179482.
Genomic context (GRCh38, chr11:44,107,749, plus strand): 5'-GAGGAAGAGGCTGTCTGTGTCATTATGTGTGCGTCGGTCAAGTATAATATCCGGGGTCCT[G>A]CCCTCATCCCAAGAATGAAGACCAAGCACCGAATCTACTATATCACCCTCTTCTCCATTG-3'
Protein context (NP_997005.1, residues 3-23): ASVKYNIRGP[Ala13Thr]LIPRMKTKHR